The following is an entry in ClinVar:

NM_001135651.3(EIF2AK2):c.184G>A (p.Glu62Lys)

Gene: EIF2AK2 (eukaryotic translation initiation factor 2 alpha kinase 2; minus strand). Cytogenetic location: 2p22.2.
Variant type: single nucleotide variant.
Coding change: c.184G>A on transcript NM_001135651.3 (MANE Select); coding-DNA position 184, G replaced by A.
Protein change: p.Glu62Lys; replaces glutamic acid 62 with lysine.
Molecular consequence: missense variant.
Genome position (GRCh38, 1-based): chr2:37,146,909, C>T on the plus strand (G>A on the coding strand, the complement: EIF2AK2 is on the minus strand). VCF-style: chr2-37146909-C-T. GRCh37 (hg19) VCF-style: chr2-37374052-C-T.
Other names: c.184G>A, p.Glu62Lys (NM_001135652.3, NM_002759.4); c.184G>A (NM_002759.3); short protein forms E62K.
Identifiers: ClinVar variation 1442710 (VCV001442710.9), dbSNP rs2148711743, ClinGen allele CA346322967.

ClinVar aggregate classification (germline): Conflicting classifications of pathogenicity. Review status: criteria provided, conflicting classifications (1 of 4 stars). 4 submissions from 4 submitters: Likely pathogenic (1); Uncertain significance (3). Last evaluated 2026-09-25.

Conditions:
Dystonia 33 (DYT33). Identifiers: MedGen C5562054, MONDO:0030513, OMIM 619687.

Submissions (4):

Clinical Genetics Laboratory, Skane University Hospital Lund
Classification: Likely pathogenic for Dystonia 33. Last evaluated: 2026-09-25. Review status: criteria provided, single submitter. Criteria: ACMG Guidelines, 2015. Collection method: clinical testing. Allele origin: de novo. Inheritance: Autosomal dominant inheritance. Affected: yes.
Comment: ACMG criteria used: PS2, PM1_Supporting, PM2

GeneDx
Classification: Uncertain significance. Last evaluated: 2026-02-15. Review status: criteria provided, single submitter. Criteria: GeneDx Variant Classification Process June 2021. Collection method: clinical testing. Allele origin: germline.
Comment: Not observed at significant frequency in large population cohorts (gnomAD); In silico analysis supports that this missense variant has a deleterious effect on protein structure/function; Has not been previously published as pathogenic or benign to our knowledge

3billion
Classification: Uncertain significance for Dystonia 33. Last evaluated: 2025-05-08. Review status: criteria provided, single submitter. Criteria: ACMG Guidelines, 2015. Collection method: clinical testing. Allele origin: germline. Affected: yes.
Comment: The variant is not observed in the gnomAD v4.1.0 dataset. Predicted Consequence/Location: Missense variant. Missense changes are a common disease-causing mechanism. Damaging effect on gene or gene product predicted by in silico programs is uncertain [REVEL: 0.59 (damaging >=0.6, benign <0.4), 3Cnet: 0.19 (damaging >0.75, benign <0.1)]. The variant has been reported as of uncertain significance (ClinVar ID: VCV001442710). Therefore, this variant is classified as VUS according to the recommendation of ACMG/AMP guideline.

Labcorp Genetics (formerly Invitae), Labcorp
Classification: Uncertain significance. Last evaluated: 2021-09-04. Review status: criteria provided, single submitter. Criteria: Invitae Variant Classification Sherloc (09022015). Collection method: clinical testing. Allele origin: germline.
Comment: In summary, the available evidence is currently insufficient to determine the role of this variant in disease. Therefore, it has been classified as a Variant of Uncertain Significance. Algorithms developed to predict the effect of missense changes on protein structure and function output the following: SIFT: "Tolerated"; PolyPhen-2: "Probably Damaging"; Align-GVGD: "Class C0". The lysine amino acid residue is found in multiple mammalian species, which suggests that this missense change does not adversely affect protein function. This missense change has been observed in individual(s) with clinical features of EIF2AK2-related leukoencephalopathy (Invitae). This variant is not present in population databases (ExAC no frequency). This sequence change replaces glutamic acid with lysine at codon 62 of the EIF2AK2 protein (p.Glu62Lys). The glutamic acid residue is moderately conserved and there is a small physicochemical difference between glutamic acid and lysine.